The following is an entry in ClinVar:

NM_000397.4(CYBB):c.855G>A (p.Leu285=)

Gene: CYBB (cytochrome b-245 beta chain; plus strand). Cytogenetic location: Xp11.4.
Variant type: single nucleotide variant.
Coding change: c.855G>A on transcript NM_000397.4 (MANE Select); coding-DNA position 855, G replaced by A.
Protein change: p.Leu285=; no amino-acid change (leucine 285 retained).
Molecular consequence: synonymous variant.
Genome position (GRCh38, 1-based): chrX:37,801,306, G>A. VCF-style: chrX-37801306-G-A. GRCh37 (hg19) VCF-style: chrX-37660559-G-A.
Identifiers: ClinVar variation 761350 (VCV000761350.38), dbSNP rs782293433, ClinGen allele CA10383805.

ClinVar aggregate classification (germline): Benign/Likely benign. Review status: criteria provided, multiple submitters, no conflicts (2 of 4 stars). 4 submissions from 4 submitters: Benign (1); Likely benign (2). 1 of the submissions does not count toward it. Last evaluated 2026-04-01.

Conditions:
Granulomatous disease, chronic, X-linked. Also called: GRANULOMATOUS DISEASE, CHRONIC, X-LINKED, SOMATIC MOSAIC; CYTOCHROME b-NEGATIVE GRANULOMATOUS DISEASE, CHRONIC, X-LINKED. Identifiers: Orphanet 379, MedGen C1844376, MONDO:0010600, OMIM 306400.

Allele frequency attached by ClinVar (database versions not stated): gnomAD exomes 0.00013 and 0.00019; gnomAD 0.00017 and 0.00018; TOPMed 0.00017; ExAC 0.00019.
gnomAD v4.1: 156 of 1,207,163 alleles (0.013%); highest among the groups gnomAD compares: Non-Finnish European, 0.015%; no homozygotes.

Submissions (6):

CeGaT Center for Human Genetics Tuebingen
Classification: Likely benign. Last evaluated: 2026-04-01. Review status: criteria provided, single submitter. Criteria: CeGaT Center For Human Genetics Tuebingen Variant Classification Criteria Version 2. Collection method: clinical testing. Allele origin: germline. Affected: yes. Observed: 2 variant alleles.
Comment: CYBB: BP4, BS2

Labcorp Genetics (formerly Invitae), Labcorp
Classification: Benign for Granulomatous disease, chronic, X-linked. Last evaluated: 2026-01-20. Review status: criteria provided, single submitter. Criteria: Invitae Variant Classification Sherloc (09022015). Collection method: clinical testing. Allele origin: germline.

Blueprint Genetics
Classification: Likely benign. Last evaluated: 2024-09-12. Review status: criteria provided, single submitter. Criteria: ACMG Guidelines, 2015. Collection method: clinical testing. Allele origin: germline.

Natera, Inc.
Classification: Uncertain significance for X-linked chronic granulomatous disease. Last evaluated: 2020-01-17. Review status: no assertion criteria provided. Collection method: clinical testing. Allele origin: germline. Not counted in ClinVar's aggregate classification.

Dr. Peter K. Rogan Lab, Western University
No classification provided (evidence only). Condition: Familial cancer of breast. Review status: no classification provided. Collection method: in vitro. Allele origin: not applicable. Functional consequence: retained intron. Not counted in ClinVar's aggregate classification.

Dr. Peter K. Rogan Lab, Western University
No classification provided (evidence only). Condition: Familial cancer of breast. Review status: no classification provided. Collection method: in vitro. Allele origin: not applicable. Functional consequence: retained intron. Not counted in ClinVar's aggregate classification.